The following is an entry in ClinVar:

ClinVar aggregate classification (germline): Conflicting classifications of pathogenicity. Review status: criteria provided, conflicting classifications (1 of 4 stars). 2 submissions from 2 submitters: Uncertain significance (1); Likely benign (1). Last evaluated 2024-06-16.

Conditions:
Alstrom syndrome (ALMS). Identifiers: Orphanet 64, MedGen C0268425, MONDO:0008763, OMIM 203800.

Allele frequency attached by ClinVar (database versions not stated): TOPMed 0.00005.
gnomAD v4.1: 2 of 1,613,980 alleles (0.00012%); highest among the groups gnomAD compares: East Asian, 0.0045%; no homozygotes.

Submissions (2):

Labcorp Genetics (formerly Invitae), Labcorp
Classification: Likely benign for Alstrom syndrome. Last evaluated: 2024-06-16. Review status: criteria provided, single submitter. Criteria: Invitae Variant Classification Sherloc (09022015). Collection method: clinical testing. Allele origin: germline.

Women's Health and Genetics/Laboratory Corporation of America, LabCorp
Classification: Uncertain significance. Last evaluated: 2016-11-14. Review status: criteria provided, single submitter. Criteria: LabCorp Variant Classification Summary - May 2015. Collection method: clinical testing. Allele origin: germline.
Comment: Variant summary: The ALMS1 c.12282G>T (alternative name c.12288G>T) variant involves the alteration of a non-conserved nucleotide, resulting in a synonymous change. One in silico tool predicts a benign outcome for this variant. 5/5 splice prediction tools predict no significant impact on normal splicing. However, these predictions have yet to be confirmed by functional studies. This variant is absent in 121064 control chromosomes. The variant of interest has not, to our knowledge, been reported in affected individuals via publications and/or reputable databases/clinical diagnostic laboratories; nor evaluated for functional impact by in vivo/vitro studies. Taken together, this variant is classified as VUS-possibly benign.

NM_001378454.1(ALMS1):c.12285G>T (p.Pro4095=)

Genes: ALMS1 (ALMS1 centrosome and basal body associated protein; plus strand), LOC126806252 (BRD4-independent group 4 enhancer GRCh37_chr2:73828496-73829695; plus strand). Cytogenetic location: 2p13.1.
Variant type: single nucleotide variant.
Coding change: c.12285G>T on transcript NM_001378454.1 (MANE Select); coding-DNA position 12285, G replaced by T.
Protein change: p.Pro4095=; no amino-acid change (proline 4095 retained).
Molecular consequence: synonymous variant.
Genome position (GRCh38, 1-based): chr2:73,602,355, G>T. VCF-style: chr2-73602355-G-T. GRCh37 (hg19) VCF-style: chr2-73829482-G-T.
Other names: c.12288G>T, p.Pro4096= (NM_015120.4).
Identifiers: ClinVar variation 599298 (VCV000599298.12), dbSNP rs776912137, ClinGen allele CA426784555.
Genomic context (GRCh38, chr2:73,602,355, plus strand): 5'-GCGGGATGCACTATTCAACATTGACAGGGAACGGCAGGGCCACCAGAATCGCATGTGCCC[G>T]CTGCCCAAGAGAGGTACGCCCTGCCCGTTCACTTTCCTGTGAGTGGAATAGAGAAGGCAA-3'
Protein context (NP_001365383.1, residues 4085-4105): ERQGHQNRMC[Pro4095=]LPKRVFLAIQ